The following is an entry in ClinVar:

NM_004991.4(MECOM):c.2102C>T (p.Pro701Leu)

Gene: MECOM (MDS1 and EVI1 complex locus; minus strand). Cytogenetic location: 3q26.2.
Variant type: single nucleotide variant.
Coding change: c.2102C>T on transcript NM_004991.4 (MANE Select); coding-DNA position 2102, C replaced by T.
Protein change: p.Pro701Leu; replaces proline 701 with leucine.
Molecular consequence: missense variant. On other transcripts: intron variant (2).
Genome position (GRCh38, 1-based): chr3:169,115,770, G>A on the plus strand (C>T on the coding strand, the complement: MECOM is on the minus strand). VCF-style: chr3-169115770-G-A. GRCh37 (hg19) VCF-style: chr3-168833558-G-A.
Other names: c.1733C>T, p.Pro578Leu (NM_001105077.4); c.1538C>T, p.Pro513Leu (NM_001105078.4, NM_001164000.2, NM_001205194.2 and 4 more transcripts); c.1541C>T, p.Pro514Leu (NM_001163999.2, NM_001366467.2, NM_001366468.2 and 1 more transcripts); c.2102C>T, p.Pro701Leu (NM_001366466.2); c.1133-3C>T (NM_001366473.2); c.569-3C>T (NM_001366474.2); short protein forms P513L, P701L, P578L, P514L.
Identifiers: ClinVar variation 5024139 (VCV005024139.1).
Genomic context (GRCh38, chr3:169,115,770, plus strand): 5'-TTCAAAGGTAACGATCTCAAGTCTCTATCAGGAAATGGGTACATTGATTGAGAGAATGCT[G>A]GAAAAAATGGGAGGGGAAACATGGAAGGGTAAGGTAAAGCTCCAACTTTTTTGTCTTGCA-3'
Protein context (NP_004982.2, residues 691-711): YPSMFPLPFF[Pro701Leu]AFSQSMYPFP

ClinVar aggregate classification (germline): Uncertain significance (1 of 4 stars; one submission).

Conditions:
Inborn genetic diseases. Identifiers: MedGen C0950123, MeSH D030342.

Submission:

Ambry Genetics
Classification: Uncertain significance for Inborn genetic diseases. Last evaluated: 2026-07-19. Review status: criteria provided, single submitter. Criteria: Ambry Variant Classification Scheme 2023. Collection method: clinical testing. Allele origin: germline.
Comment: The p.P701L variant (also known as c.2102C>T), located in coding exon 8 of the MECOM gene, results from a C to T substitution at nucleotide position 2102. The proline at codon 701 is replaced by leucine, an amino acid with similar properties. This amino acid position is conserved. In addition, the in silico prediction for this alteration is inconclusive. Based on the available evidence, the clinical significance of this variant remains unclear.